The following is an entry in ClinVar:

ClinVar aggregate classification (germline): Uncertain significance (1 of 4 stars; one submission).

gnomAD v4.1: 2 of 1,614,132 alleles (0.00012%); highest among the groups gnomAD compares: South Asian, 0.0011%; no homozygotes.

Submission:

Ambry Genetics
Classification: Uncertain significance. Last evaluated: 2025-05-26. Review status: criteria provided, single submitter. Criteria: Ambry Variant Classification Scheme 2023. Collection method: clinical testing. Allele origin: germline.
Comment: The p.H472R variant (also known as c.1415A>G), located in coding exon 8 of the RNF43 gene, results from an A to G substitution at nucleotide position 1415. The histidine at codon 472 is replaced by arginine, an amino acid with highly similar properties. This amino acid position is conserved. In addition, this alteration is predicted to be tolerated by in silico analysis. Based on the available evidence, the clinical significance of this variant remains unclear.

NM_017763.6(RNF43):c.1415A>G (p.His472Arg)

Gene: RNF43 (ring finger protein 43; minus strand). Cytogenetic location: 17q22.
Variant type: single nucleotide variant.
Coding change: c.1415A>G on transcript NM_017763.6 (MANE Select); coding-DNA position 1415, A replaced by G.
Protein change: p.His472Arg; replaces histidine 472 with arginine.
Molecular consequence: missense variant.
Genome position (GRCh38, 1-based): chr17:58,358,361, T>C on the plus strand (A>G on the coding strand, the complement: RNF43 is on the minus strand). VCF-style: chr17-58358361-T-C. GRCh37 (hg19) VCF-style: chr17-56435722-T-C.
Other names: c.1415A>G, p.His472Arg (NM_001305544.3); c.1034A>G, p.His345Arg (NM_001305545.2); short protein forms H345R, H472R.
Identifiers: ClinVar variation 3946916 (VCV003946916.1).